The following is an entry in ClinVar:

NM_001348716.2(KDM6B):c.783A>C (p.Pro261=)

Gene: KDM6B (lysine demethylase 6B; plus strand). Cytogenetic location: 17p13.1.
Variant type: single nucleotide variant.
Coding change: c.783A>C on transcript NM_001348716.2 (MANE Select); coding-DNA position 783, A replaced by C.
Protein change: p.Pro261=; no amino-acid change (proline 261 retained).
Molecular consequence: synonymous variant.
Genome position (GRCh38, 1-based): chr17:7,846,890, A>C. VCF-style: chr17-7846890-A-C. GRCh37 (hg19) VCF-style: chr17-7750208-A-C.
Other names: c.783A>C, p.Pro261= (NM_001080424.2).
Identifiers: ClinVar variation 3055274 (VCV003055274.16), dbSNP rs2078556766, ClinGen allele CA497946478.

ClinVar aggregate classification (germline): Likely benign. Review status: criteria provided, single submitter (1 of 4 stars). 2 submissions from 2 submitters: Likely benign (1). 1 of the submissions does not count toward it. Last evaluated 2024-10-01.

Conditions:
KDM6B-related disorder. Also called: KDM6B-related condition.

Submissions (2):

CeGaT Center for Human Genetics Tuebingen
Classification: Likely benign. Last evaluated: 2024-10-01. Review status: criteria provided, single submitter. Criteria: CeGaT Center For Human Genetics Tuebingen Variant Classification Criteria Version 2. Collection method: clinical testing. Allele origin: germline. Affected: yes. Observed: 1 variant allele.
Comment: KDM6B: BP4, BP7

PreventionGenetics, part of Exact Sciences
Classification: Likely benign for KDM6B-related condition. Last evaluated: 2019-10-31. Review status: no assertion criteria provided. Collection method: clinical testing. Allele origin: germline. Not counted in ClinVar's aggregate classification.
Comment: This variant is classified as likely benign based on ACMG/AMP sequence variant interpretation guidelines (Richards et al. 2015 PMID: 25741868, with internal and published modifications).